The following is an entry in ClinVar:

ClinVar aggregate classification (germline): Likely benign (1 of 4 stars; one submission).

Conditions:
Arrhythmogenic cardiomyopathy with wooly hair and keratoderma. Also called: PALMOPLANTAR KERATODERMA WITH LEFT VENTRICULAR CARDIOMYOPATHY AND WOOLLY HAIR; Carvajal syndrome; Dilated cardiomyopathy with woolly hair and keratoderma; Arrhythmogenic cardiomyopathy with woolly hair and keratoderma. Identifiers: Orphanet 65282, MedGen C1854063, MONDO:0011581, OMIM 605676.

Allele frequency attached by ClinVar (database versions not stated): TOPMed below 0.00001.

Submission:

All of Us Research Program, National Institutes of Health
Classification: Likely benign for Arrhythmogenic cardiomyopathy with wooly hair and keratoderma. Last evaluated: 2023-10-02. Review status: criteria provided, single submitter. Criteria: ACMG Guidelines, 2015. Collection method: clinical testing. Allele origin: germline. Inheritance: Autosomal dominant inheritance. Observed: 1 variant allele, 1 heterozygote.
Comment: This study involves interpretation of variants in research participants for the purpose of population health screening. Participant phenotype was not available at the time of variant classification. Additional details can be found in publication PMID: 35346344, PMCID: PMC8962531

NM_004415.4(DSP):c.6928T>C (p.Leu2310=)

Gene: DSP (desmoplakin; plus strand). Cytogenetic location: 6p24.3.
Variant type: single nucleotide variant.
Coding change: c.6928T>C on transcript NM_004415.4 (MANE Select); coding-DNA position 6928, T replaced by C.
Protein change: p.Leu2310=; no amino-acid change (leucine 2310 retained).
Molecular consequence: synonymous variant.
Genome position (GRCh38, 1-based): chr6:7,584,190, T>C. VCF-style: chr6-7584190-T-C. GRCh37 (hg19) VCF-style: chr6-7584423-T-C.
Other names: c.5131T>C, p.Leu1711= (NM_001008844.3); c.5599T>C, p.Leu1867= (NM_001319034.2).
Identifiers: ClinVar variation 3073629 (VCV003073629.1), dbSNP rs1759552106, ClinGen allele CA448716676.